The following is an entry in ClinVar:

NM_001369.3(DNAH5):c.11625G>T (p.Met3875Ile)

Gene: DNAH5 (dynein axonemal heavy chain 5; minus strand). Cytogenetic location: 5p15.2.
Variant type: single nucleotide variant.
Coding change: c.11625G>T on transcript NM_001369.3 (MANE Select); coding-DNA position 11625, G replaced by T.
Protein change: p.Met3875Ile; replaces methionine 3875 with isoleucine.
Molecular consequence: missense variant.
Genome position (GRCh38, 1-based): chr5:13,735,267, C>A on the plus strand (G>T on the coding strand, the complement: DNAH5 is on the minus strand). VCF-style: chr5-13735267-C-A. GRCh37 (hg19) VCF-style: chr5-13735376-C-A.
Other names: short protein forms M3875I.
Identifiers: ClinVar variation 1737063 (VCV001737063.2), dbSNP rs762188606, ClinGen allele CA3201889.

ClinVar aggregate classification (germline): Uncertain significance (1 of 4 stars; one submission).

Conditions:
Primary ciliary dyskinesia. Also called: Ciliary dyskinesia. Identifiers: Orphanet 244, MedGen C0008780, MONDO:0016575, HP:0012265.

Allele frequency attached by ClinVar (database versions not stated): TOPMed below 0.00001; ExAC 0.00001; gnomAD 0.00001; gnomAD exomes 0.00001.
gnomAD v4.1: 11 of 1,613,986 alleles (0.00068%); highest among the groups gnomAD compares: Non-Finnish European, 0.00093%; no homozygotes.

Submission:

Ambry Genetics
Classification: Uncertain significance for Primary ciliary dyskinesia. Last evaluated: 2015-10-22. Review status: criteria provided, single submitter. Criteria: Ambry Variant Classification Scheme 2023. Collection method: clinical testing. Allele origin: germline.
Comment: The p.M3875I variant (also known as c.11625G>T), located in coding exon 68 of the DNAH5 gene, results from a G to T substitution at nucleotide position 11625. The methionine at codon 3875 is replaced by isoleucine, an amino acid with highly similar properties. This variant was not reported in population based cohorts in the following databases: Database of Single Nucleotide Polymorphisms (dbSNP), NHLBI Exome Sequencing Project (ESP), and 1000 Genomes Project. In the ESP, this variant was not observed in 6503 samples (13006 alleles) with coverage at this position. This amino acid position is highly conserved in available vertebrate species. In addition, the in silico prediction for this alteration is inconclusive. Since supporting evidence is limited at this time, the clinical significance of this variant remains unclear.